The following is an entry in ClinVar:

NM_005477.3(HCN4):c.2151G>C (p.Lys717Asn)

Gene: HCN4 (hyperpolarization activated cyclic nucleotide gated potassium channel 4; minus strand). Cytogenetic location: 15q24.1.
Variant type: single nucleotide variant.
Coding change: c.2151G>C on transcript NM_005477.3 (MANE Select); coding-DNA position 2151, G replaced by C.
Protein change: p.Lys717Asn; replaces lysine 717 with asparagine.
Molecular consequence: missense variant.
Genome position (GRCh38, 1-based): chr15:73,323,942, C>G on the plus strand (G>C on the coding strand, the complement: HCN4 is on the minus strand). VCF-style: chr15-73323942-C-G. GRCh37 (hg19) VCF-style: chr15-73616283-C-G.
Other names: short protein forms K717N.
Identifiers: ClinVar variation 1045826 (VCV001045826.8), dbSNP rs1360972645, ClinGen allele CA393089642.

ClinVar aggregate classification (germline): Uncertain significance (1 of 4 stars; one submission).

Conditions:
Brugada syndrome 8 (BRGDA8). Identifiers: Orphanet 130, MedGen C2751083, MONDO:0013148, OMIM 613123.

Allele frequency attached by ClinVar (database versions not stated): gnomAD exomes below 0.00001; gnomAD 0.00001; TOPMed 0.00001.
gnomAD v4.1: 3 of 1,605,122 alleles (0.00019%); highest among the groups gnomAD compares: Admixed American, 0.0033%; no homozygotes.

Submission:

Labcorp Genetics (formerly Invitae), Labcorp
Classification: Uncertain significance for Brugada syndrome 8. Last evaluated: 2020-07-08. Review status: criteria provided, single submitter. Criteria: Invitae Variant Classification Sherloc (09022015). Collection method: clinical testing. Allele origin: germline.
Comment: This variant is not present in population databases (ExAC no frequency). In summary, the available evidence is currently insufficient to determine the role of this variant in disease. Therefore, it has been classified as a Variant of Uncertain Significance. This variant has not been reported in the literature in individuals with HCN4-related conditions. This sequence change replaces lysine with asparagine at codon 717 of the HCN4 protein (p.Lys717Asn). The lysine residue is highly conserved and there is a moderate physicochemical difference between lysine and asparagine.